The following is an entry in ClinVar:

ClinVar aggregate classification (germline): Uncertain significance (1 of 4 stars; one submission).

Conditions:
Spastic paraplegia. Identifiers: MedGen C0037772, HP:0001258.

Allele frequency attached by ClinVar (database versions not stated): gnomAD exomes below 0.00001.
gnomAD v4.1: 1 of 1,614,112 alleles (0.000062%); highest among the groups gnomAD compares: Admixed American, 0.0017%; no homozygotes.

Submission:

Labcorp Genetics (formerly Invitae), Labcorp
Classification: Uncertain significance for Spastic paraplegia. Last evaluated: 2022-07-06. Review status: criteria provided, single submitter. Criteria: Invitae Variant Classification Sherloc (09022015). Collection method: clinical testing. Allele origin: germline.
Comment: This sequence change falls in intron 7 of the ZFYVE26 gene. It does not directly change the encoded amino acid sequence of the ZFYVE26 protein. It affects a nucleotide within the consensus splice site. This variant is present in population databases (no rsID available, gnomAD 0.003%). This variant has not been reported in the literature in individuals affected with ZFYVE26-related conditions. Variants that disrupt the consensus splice site are a relatively common cause of aberrant splicing (PMID: 17576681, 9536098). Algorithms developed to predict the effect of sequence changes on RNA splicing suggest that this variant may create or strengthen a splice site. In summary, the available evidence is currently insufficient to determine the role of this variant in disease. Therefore, it has been classified as a Variant of Uncertain Significance.

Literature cited by the submitters: PubMed 17576681; PubMed 9536098.

NM_015346.4(ZFYVE26):c.1183-3T>C

Gene: ZFYVE26 (zinc finger FYVE-type containing 26; minus strand). Cytogenetic location: 14q24.1.
Variant type: single nucleotide variant.
Coding change: c.1183-3T>C on transcript NM_015346.4 (MANE Select); 3 bases into the intron before coding-DNA position 1183, T replaced by C.
Molecular consequence: intron variant.
Genome position (GRCh38, 1-based): chr14:67,805,308, A>G on the plus strand (T>C on the coding strand, the complement: ZFYVE26 is on the minus strand). VCF-style: chr14-67805308-A-G. GRCh37 (hg19) VCF-style: chr14-68272025-A-G.
Identifiers: ClinVar variation 1962588 (VCV001962588.2), dbSNP rs1232358542, ClinGen allele CA614780117.